The following is an entry in ClinVar:

NM_001737.5(C9):c.304G>A (p.Gly102Arg)

Gene: C9 (complement C9; minus strand). Cytogenetic location: 5p13.1.
Variant type: single nucleotide variant.
Coding change: c.304G>A on transcript NM_001737.5 (MANE Select); coding-DNA position 304, G replaced by A.
Protein change: p.Gly102Arg; replaces glycine 102 with arginine.
Molecular consequence: missense variant.
Genome position (GRCh38, 1-based): chr5:39,341,580, C>T on the plus strand (G>A on the coding strand, the complement: C9 is on the minus strand). VCF-style: chr5-39341580-C-T. GRCh37 (hg19) VCF-style: chr5-39341682-C-T.
Other names: short protein forms G102R.
Identifiers: ClinVar variation 1488443 (VCV001488443.5), dbSNP rs145819975, ClinGen allele CA3247069.
Genomic context (GRCh38, chr5:39,341,580, plus strand): 5'-GAAAGCCACAATGAGCAATTCAAGCACAAAGATTACCTGTACTGCATTGAAAGTCATTTC[C>T]GCAGTCATCCTCAGCATCCTCACAGGGCTCTGTGGGCACACACTGTCGTCTGTCTCCCAC-3'
Protein context (NP_001728.1, residues 92-112): EPCEDAEDDC[Gly102Arg]NDFQCSTGRC

ClinVar aggregate classification (germline): Uncertain significance (1 of 4 stars; one submission).

Allele frequency attached by ClinVar (database versions not stated): gnomAD exomes 0.00004 and 0.00011; ExAC 0.00009; TOPMed 0.00012; gnomAD 0.00013 and 0.00015; ESP Exome Variant Server 0.00023.
gnomAD v4.1: 78 of 1,613,902 alleles (0.0048%); highest among the groups gnomAD compares: African/African-American, 0.025%; no homozygotes.

Submission:

Labcorp Genetics (formerly Invitae), Labcorp
Classification: Uncertain significance. Last evaluated: 2022-07-26. Review status: criteria provided, single submitter. Criteria: Invitae Variant Classification Sherloc (09022015). Collection method: clinical testing. Allele origin: germline.
Comment: This sequence change replaces glycine, which is neutral and non-polar, with arginine, which is basic and polar, at codon 102 of the C9 protein (p.Gly102Arg). This variant is present in population databases (rs145819975, gnomAD 0.04%). This variant has not been reported in the literature in individuals affected with C9-related conditions. ClinVar contains an entry for this variant (Variation ID: 1488443). Algorithms developed to predict the effect of missense changes on protein structure and function output the following: SIFT: "Not Available"; PolyPhen-2: "Probably Damaging"; Align-GVGD: "Not Available". The arginine amino acid residue is found in multiple mammalian species, which suggests that this missense change does not adversely affect protein function. In summary, the available evidence is currently insufficient to determine the role of this variant in disease. Therefore, it has been classified as a Variant of Uncertain Significance.